The following is an entry in ClinVar:

NC_000006.11:g.(?_45512934)_(45515042_?)del

Gene: RUNX2 (RUNX family transcription factor 2; plus strand). Cytogenetic location: 6p21.1.
Variant type: Deletion.
Identifiers: ClinVar variation 2423489 (VCV002423489.4).

ClinVar aggregate classification (germline): Pathogenic (1 of 4 stars; one submission).

Submission:

Labcorp Genetics (formerly Invitae), Labcorp
Classification: Pathogenic. Last evaluated: 2022-10-18. Review status: criteria provided, single submitter. Criteria: Invitae Variant Classification Sherloc (09022015). Collection method: clinical testing. Allele origin: germline.
Comment: For these reasons, this variant has been classified as Pathogenic. This variant disrupts a region of the RUNX2 protein in which other variant(s) (p.Val517Glyfs*61) have been determined to be pathogenic (PMID: 16140555). This suggests that this is a clinically significant region of the protein, and that variants that disrupt it are likely to be disease-causing. A similar copy number variant has been observed in individual(s) with cleidocranial dysplasia (PMID: 24797831). This variant is a gross deletion of the genomic region encompassing exon(s) 8-9 of the RUNX2 gene, which includes the termination codon. This deletion extends beyond the assayed region for this gene and therefore may encompass additional genes. While this deletion is not anticipated to lead to nonsense mediated decay, it is expected to alter mRNA translation or result in a truncated protein product.

Literature cited by the submitters: PubMed 16140555; PubMed 24797831.